The following is an entry in ClinVar:

NM_006445.4(PRPF8):c.4893C>T (p.Leu1631=)

Gene: PRPF8 (pre-mRNA processing factor 8; minus strand). Cytogenetic location: 17p13.3.
Variant type: single nucleotide variant.
Coding change: c.4893C>T on transcript NM_006445.4 (MANE Select); coding-DNA position 4893, C replaced by T.
Protein change: p.Leu1631=; no amino-acid change (leucine 1631 retained).
Molecular consequence: synonymous variant.
Genome position (GRCh38, 1-based): chr17:1,659,894, G>A on the plus strand (C>T on the coding strand, the complement: PRPF8 is on the minus strand). VCF-style: chr17-1659894-G-A. GRCh37 (hg19) VCF-style: chr17-1563188-G-A.
Other names: c.4893C>T (NM_006445.3).
Identifiers: ClinVar variation 3617151 (VCV003617151.3).

ClinVar aggregate classification (germline): Likely benign. Review status: criteria provided, multiple submitters, no conflicts (2 of 4 stars). 2 submissions from 2 submitters: Likely benign (2). Last evaluated 2026-07-14.

Conditions:
PRPF8-related disorder. Also called: PRPF8-related condition.

gnomAD v4.1: 4 of 1,614,190 alleles (0.00025%); highest among the groups gnomAD compares: African/African-American, 0.004%; no homozygotes.

Submissions (2):

PreventionGenetics, part of Exact Sciences
Classification: Likely benign for PRPF8-related condition. Last evaluated: 2026-07-14. Review status: criteria provided, single submitter. Criteria: ACMG Guidelines, 2015. Collection method: clinical testing. Allele origin: germline.
Comment: This variant is classified as likely benign based on ACMG/AMP sequence variant interpretation guidelines (Richards et al. 2015 PMID: 25741868, with internal and published modifications).

Labcorp Genetics (formerly Invitae), Labcorp
Classification: Likely benign. Last evaluated: 2024-06-12. Review status: criteria provided, single submitter. Criteria: Invitae Variant Classification Sherloc (09022015). Collection method: clinical testing. Allele origin: germline.